The following is an entry in ClinVar:

ClinVar aggregate classification (germline): Uncertain significance (1 of 4 stars; one submission).

Allele frequency attached by ClinVar (database versions not stated): gnomAD exomes 0.00001; TOPMed 0.00001.
gnomAD v4.1: 17 of 1,614,248 alleles (0.0011%); highest among the groups gnomAD compares: Non-Finnish European, 0.0014%; no homozygotes.

Submission:

Labcorp Genetics (formerly Invitae), Labcorp
Classification: Uncertain significance. Last evaluated: 2022-08-23. Review status: criteria provided, single submitter. Criteria: Invitae Variant Classification Sherloc (09022015). Collection method: clinical testing. Allele origin: germline.
Comment: In summary, the available evidence is currently insufficient to determine the role of this variant in disease. Therefore, it has been classified as a Variant of Uncertain Significance. Algorithms developed to predict the effect of sequence changes on RNA splicing suggest that this variant may disrupt the consensus splice site. This variant has not been reported in the literature in individuals affected with RHO-related conditions. This variant is present in population databases (no rsID available, gnomAD 0.0009%). This sequence change affects codon 277 of the RHO mRNA. It is a 'silent' change, meaning that it does not change the encoded amino acid sequence of the RHO protein.

NM_000539.3(RHO):c.831C>A (p.Thr277=)

Gene: RHO (rhodopsin; plus strand). Cytogenetic location: 3q22.1.
Variant type: single nucleotide variant.
Coding change: c.831C>A on transcript NM_000539.3 (MANE Select); coding-DNA position 831, C replaced by A.
Protein change: p.Thr277=; no amino-acid change (threonine 277 retained).
Molecular consequence: synonymous variant.
Genome position (GRCh38, 1-based): chr3:129,532,667, C>A. VCF-style: chr3-129532667-C-A. GRCh37 (hg19) VCF-style: chr3-129251510-C-A.
Identifiers: ClinVar variation 2169110 (VCV002169110.4), dbSNP rs947228214, ClinGen allele CA82620788.